The following is an entry in ClinVar:

NM_000388.4(CASR):c.2000T>C (p.Phe667Ser)

Gene: CASR (calcium sensing receptor; plus strand). Cytogenetic location: 3q21.1.
Variant type: single nucleotide variant.
Coding change: c.2000T>C on transcript NM_000388.4 (MANE Select); coding-DNA position 2000, T replaced by C.
Protein change: p.Phe667Ser; replaces phenylalanine 667 with serine.
Molecular consequence: missense variant.
Genome position (GRCh38, 1-based): chr3:122,283,954, T>C. VCF-style: chr3-122283954-T-C. GRCh37 (hg19) VCF-style: chr3-122002801-T-C.
Other names: c.2030T>C, p.Phe677Ser (NM_001178065.2); short protein forms F667S, F677S.
Identifiers: ClinVar variation 1034636 (VCV001034636.9), dbSNP rs2074927361, ClinGen allele CA354158273.
Genomic context (GRCh38, chr3:122,283,954, plus strand): 5'-ACCGAGAGCTCTCCTACCTCCTCCTCTTCTCCCTGCTCTGCTGCTTCTCCAGCTCCCTGT[T>C]CTTCATCGGGGAGCCCCAGGACTGGACGTGCCGCCTGCGCCAGCCGGCCTTTGGCATCAG-3'
Protein context (NP_000379.3, residues 657-677): SLLCCFSSSL[Phe667Ser]FIGEPQDWTC

ClinVar aggregate classification (germline): Uncertain significance. Review status: criteria provided, multiple submitters, no conflicts (2 of 4 stars). 2 submissions from 2 submitters: Uncertain significance (2). Last evaluated 2022-05-17.

Conditions:
Nephrolithiasis/nephrocalcinosis. Identifiers: MedGen CN580796.
Autosomal dominant hypocalcemia 1 (HYPOC1). Also called: HYPOCALCEMIA, FAMILIAL. Identifiers: MedGen C3715128, MONDO:0011013, OMIM 601198.
Familial hypocalciuric hypercalcemia (FHH). Also called: Familial benign hypercalcemia. Identifiers: Orphanet 405, MedGen C1809471, MONDO:0018458.

Submissions (2):

Ambry Genetics
Classification: Uncertain significance for Nephrolithiasis/nephrocalcinosis. Last evaluated: 2022-05-17. Review status: criteria provided, single submitter. Criteria: Ambry Variant Classification Scheme 2023. Collection method: clinical testing. Allele origin: germline.
Comment: The p.F667S variant (also known as c.2000T>C), located in coding exon 6 of the CASR gene, results from a T to C substitution at nucleotide position 2000. The phenylalanine at codon 667 is replaced by serine, an amino acid with highly dissimilar properties. This amino acid position is conserved. In addition, this alteration is predicted to be deleterious by in silico analysis. Since supporting evidence is limited at this time, the clinical significance of this alteration remains unclear.

Labcorp Genetics (formerly Invitae), Labcorp
Classification: Uncertain significance for Familial hypocalciuric hypercalcemia; Autosomal dominant hypocalcemia 1. Last evaluated: 2021-10-13. Review status: criteria provided, single submitter. Criteria: Invitae Variant Classification Sherloc (09022015). Collection method: clinical testing. Allele origin: germline.
Comment: In summary, the available evidence is currently insufficient to determine the role of this variant in disease. Therefore, it has been classified as a Variant of Uncertain Significance. Algorithms developed to predict the effect of missense changes on protein structure and function (SIFT, PolyPhen-2, Align-GVGD) all suggest that this variant is likely to be disruptive. This variant has not been reported in the literature in individuals affected with CASR-related conditions. This variant is not present in population databases (ExAC no frequency). This sequence change replaces phenylalanine with serine at codon 667 of the CASR protein (p.Phe667Ser). The phenylalanine residue is highly conserved and there is a large physicochemical difference between phenylalanine and serine.